The following is an entry in ClinVar:

ClinVar aggregate classification (germline): Uncertain significance (1 of 4 stars; one submission).

Conditions:
Neuronal ceroid lipofuscinosis 1 (CLN1). Also called: CEROID LIPOFUSCINOSIS, NEURONAL, 1, VARIABLE AGE AT ONSET; PPT1-Related Neuronal Ceroid-Lipofuscinosis. Identifiers: Orphanet 228329, MedGen C1850451, MONDO:0009744, OMIM 256730.

Submission:

Labcorp Genetics (formerly Invitae), Labcorp
Classification: Uncertain significance for Neuronal ceroid lipofuscinosis 1. Last evaluated: 2022-01-10. Review status: criteria provided, single submitter. Criteria: Invitae Variant Classification Sherloc (09022015). Collection method: clinical testing. Allele origin: germline.
Comment: In summary, the available evidence is currently insufficient to determine the role of this variant in disease. Therefore, it has been classified as a Variant of Uncertain Significance. Algorithms developed to predict the effect of missense changes on protein structure and function (SIFT, PolyPhen-2, Align-GVGD) all suggest that this variant is likely to be tolerated. This variant has not been reported in the literature in individuals affected with PPT1-related conditions. This variant is not present in population databases (gnomAD no frequency). This sequence change replaces alanine, which is neutral and non-polar, with valine, which is neutral and non-polar, at codon 221 of the PPT1 protein (p.Ala221Val).

NM_000310.4(PPT1):c.662C>T (p.Ala221Val)

Gene: PPT1 (palmitoyl-protein thioesterase 1; minus strand). Cytogenetic location: 1p34.2.
Variant type: single nucleotide variant.
Coding change: c.662C>T on transcript NM_000310.4 (MANE Select); coding-DNA position 662, C replaced by T.
Protein change: p.Ala221Val; replaces alanine 221 with valine.
Molecular consequence: missense variant.
Genome position (GRCh38, 1-based): chr1:40,078,624, G>A on the plus strand (C>T on the coding strand, the complement: PPT1 is on the minus strand). VCF-style: chr1-40078624-G-A. GRCh37 (hg19) VCF-style: chr1-40544296-G-A.
Other names: c.353C>T, p.Ala118Val (NM_001142604.2); c.662C>T, p.Ala221Val (NM_001363695.2); short protein forms A221V, A118V.
Identifiers: ClinVar variation 2077858 (VCV002077858.4), dbSNP rs2523635695, ClinGen allele CA339846828.